The following is an entry in ClinVar:

ClinVar aggregate classification (germline): Uncertain significance (1 of 4 stars; one submission).

Conditions:
Hereditary cancer-predisposing syndrome. Also called: Neoplastic Syndromes, Hereditary; Tumor predisposition; Hereditary neoplastic syndrome; Hereditary Cancer Syndrome. Identifiers: Orphanet 140162, MedGen C0027672, MeSH D009386, MONDO:0015356.

Submission:

Ambry Genetics
Classification: Uncertain significance for Hereditary cancer-predisposing syndrome. Last evaluated: 2023-01-05. Review status: criteria provided, single submitter. Criteria: Ambry Variant Classification Scheme 2023. Collection method: clinical testing. Allele origin: germline.
Comment: The p.L565P variant (also known as c.1694T>C), located in coding exon 4 of the MSH6 gene, results from a T to C substitution at nucleotide position 1694. The leucine at codon 565 is replaced by proline, an amino acid with similar properties. This amino acid position is conserved. In addition, the in silico prediction for this alteration is inconclusive. Since supporting evidence is limited at this time, the clinical significance of this alteration remains unclear.

NM_000179.3(MSH6):c.1694T>C (p.Leu565Pro)

Gene: MSH6 (mutS homolog 6; plus strand). Cytogenetic location: 2p16.3.
Variant type: single nucleotide variant.
Coding change: c.1694T>C on transcript NM_000179.3 (MANE Select); coding-DNA position 1694, T replaced by C.
Protein change: p.Leu565Pro; replaces leucine 565 with proline.
Molecular consequence: missense variant. On other transcripts: non-coding transcript variant (4), intron variant (2).
Genome position (GRCh38, 1-based): chr2:47,799,677, T>C. VCF-style: chr2-47799677-T-C. GRCh37 (hg19) VCF-style: chr2-48026816-T-C.
Other names: c.1304T>C, p.Leu435Pro (NM_001281492.2); c.788T>C, p.Leu263Pro (NM_001281493.2, NM_001281494.2, NM_001406811.1 and 6 more transcripts); c.1790T>C, p.Leu597Pro (NM_001406795.1, NM_001406802.1); c.1694T>C, p.Leu565Pro (NM_001406796.1, NM_001406798.1, NM_001406800.1 and 3 more transcripts); c.1397T>C, p.Leu466Pro (NM_001406797.1, NM_001406801.1, NM_001406805.1 and 10 more transcripts); c.1169T>C, p.Leu390Pro (NM_001406799.1, NM_001406806.1, NM_001406807.1); c.1616T>C, p.Leu539Pro (NM_001406804.1); c.1700T>C, p.Leu567Pro (NM_001406813.1); and 3 more; short protein forms L435P, L539P, L565P, L597P, L390P, L466P, L263P, L509P.
Identifiers: ClinVar variation 2453187 (VCV002453187.2), dbSNP rs2530625148, ClinGen allele CA346747538.